The following is an entry in ClinVar:

ClinVar aggregate classification (germline): Likely benign. Review status: criteria provided, single submitter (1 of 4 stars). 2 submissions from 2 submitters: Likely benign (1). 1 of the submissions does not count toward it. Last evaluated 2020-06-13.

Conditions:
RBFOX1-related disorder. Also called: RBFOX1-related condition.
Idiopathic generalized epilepsy. Also called: Generalised epilepsy; EIG. Identifiers: MedGen C0270850, MONDO:0005579, OMIM 600669.

Allele frequency attached by ClinVar (database versions not stated): gnomAD 0.00001; gnomAD exomes 0.00003 and 0.00004; TOPMed 0.00005; ExAC 0.00007.
gnomAD v4.1: 42 of 1,614,118 alleles (0.0026%); highest among the groups gnomAD compares: East Asian, 0.094%; no homozygotes.

Submissions (2):

Labcorp Genetics (formerly Invitae), Labcorp
Classification: Likely benign for Idiopathic generalized epilepsy. Last evaluated: 2020-06-13. Review status: criteria provided, single submitter. Criteria: Invitae Variant Classification Sherloc (09022015). Collection method: clinical testing. Allele origin: germline.

PreventionGenetics, part of Exact Sciences
Classification: Likely benign for RBFOX1-related condition. Last evaluated: 2019-06-25. Review status: no assertion criteria provided. Collection method: clinical testing. Allele origin: germline. Not counted in ClinVar's aggregate classification.
Comment: This variant is classified as likely benign based on ACMG/AMP sequence variant interpretation guidelines (Richards et al. 2015 PMID: 25741868, with internal and published modifications).

NM_018723.4(RBFOX1):c.747T>C (p.Tyr249=)

Gene: RBFOX1 (RNA binding fox-1 homolog 1; plus strand). Cytogenetic location: 16p13.3.
Variant type: single nucleotide variant.
Coding change: c.747T>C on transcript NM_018723.4 (MANE Select); coding-DNA position 747, T replaced by C.
Protein change: p.Tyr249=; no amino-acid change (tyrosine 249 retained).
Molecular consequence: synonymous variant. On other transcripts: intron variant (1).
Genome position (GRCh38, 1-based): chr16:7,630,673, T>C. VCF-style: chr16-7630673-T-C. GRCh37 (hg19) VCF-style: chr16-7680675-T-C.
Other names: c.747T>C, p.Tyr249= (NM_001142334.2, NM_001364800.2); c.876T>C, p.Tyr292= (NM_001308117.1); c.807T>C, p.Tyr269= (NM_145891.3, NM_145892.3, NM_145893.3); c.677-23142T>C (NM_001142333.2).
Identifiers: ClinVar variation 241958 (VCV000241958.13), dbSNP rs779034823, ClinGen allele CA7891650.